The following is an entry in ClinVar:

ClinVar aggregate classification (germline): Likely pathogenic. Review status: criteria provided, multiple submitters, no conflicts (2 of 4 stars). 2 submissions from 2 submitters: Likely pathogenic (2). Last evaluated 2025-01-09.

Conditions:
Cardiovascular phenotype. Identifiers: MedGen CN230736.
Autosomal recessive limb-girdle muscular dystrophy type 2J (LGMDR10). Also called: Limb-girdle muscular dystrophy, type 2J; MUSCULAR DYSTROPHY, LIMB-GIRDLE, AUTOSOMAL RECESSIVE 10. Identifiers: Orphanet 140922, MedGen C1837342, MONDO:0012127, OMIM 608807.
Dilated cardiomyopathy 1G (CMD1G). Identifiers: Orphanet 154, MedGen C1858763, MONDO:0011400, OMIM 604145.

Submissions (2):

Ambry Genetics
Classification: Likely pathogenic for Cardiovascular phenotype. Last evaluated: 2025-01-09. Review status: criteria provided, single submitter. Criteria: Ambry Variant Classification Scheme 2023. Collection method: clinical testing. Allele origin: germline.
Comment: The c.27232delG variant, located in coding exon 109 of the TTN gene, results from a deletion of one nucleotide at nucleotide position 27232, causing a translational frameshift with a predicted alternate stop codon (p.A9078Qfs*2). This exon is located in the A-band region of the N2-B isoform of the titin protein and is constitutively expressed in TTN transcripts (percent spliced in or PSI 100%). This variant is considered to be rare based on population cohorts in the Genome Aggregation Database (gnomAD). In addition, this alteration is expected to result in loss of function by premature protein truncation or nonsense-mediated mRNA decay. While truncating variants in TTN are present in 1-3% of the general population, truncating variants in the A-band are the most common cause of dilated cardiomyopathy (DCM) (Herman DS et al. N. Engl. J. Med., 2012 Feb;366:619-28; Roberts AM et al. Sci Transl Med, 2015 Jan;7:270ra6). TTN truncating variants encoded in constitutive exons (PSI >90%) have been found to be significantly associated with DCM regardless of their position in titin (Schafer S et al. Nat. Genet., 2017 01;49:46-53). Based on the majority of available evidence to date, this variant is likely to be pathogenic.

Labcorp Genetics (formerly Invitae), Labcorp
Classification: Likely pathogenic for Dilated cardiomyopathy 1G; Autosomal recessive limb-girdle muscular dystrophy type 2J. Last evaluated: 2024-10-16. Review status: criteria provided, single submitter. Criteria: Invitae Variant Classification Sherloc (09022015). Collection method: clinical testing. Allele origin: germline.
Comment: This sequence change creates a premature translational stop signal (p.Ala18143Glnfs*2) in the TTN gene. While this is not anticipated to result in nonsense mediated decay, it is expected to create a truncated TTN protein. This variant is not present in population databases (gnomAD no frequency). This variant has not been reported in the literature in individuals affected with TTN-related conditions. ClinVar contains an entry for this variant (Variation ID: 1795210). This variant is located in the A band of TTN (PMID: 25589632). Truncating variants in this region are significantly overrepresented in patients affected with dilated cardiomyopathy (PMID: 25589632). Truncating variants in this region have also been reported in individuals affected with autosomal recessive centronuclear myopathy (PMID: 23975875). In summary, the currently available evidence indicates that the variant is pathogenic, but additional data are needed to prove that conclusively. Therefore, this variant has been classified as Likely Pathogenic.

Literature cited by the submitters: PubMed 25589632 (cited by Labcorp Genetics (formerly Invitae), Labcorp); PubMed 23975875 (cited by Labcorp Genetics (formerly Invitae), Labcorp).

NM_001267550.2(TTN):c.54427del (p.Ala18143fs)

Genes: TTN (titin; minus strand), TTN-AS1 (TTN antisense RNA 1; plus strand). Cytogenetic location: 2q31.2.
Variant type: Deletion.
Coding change: c.54427del on transcript NM_001267550.2 (MANE Select); coding-DNA position 54427, one base deleted (G; older notation c.54427delG).
Protein change: p.Ala18143fs; shifts the reading frame from alanine 18143.
Molecular consequence: frameshift variant.
Genome position (GRCh38, 1-based): chr2:178,604,260, C deleted on the plus strand (G on the coding strand, the reverse complement: TTN is on the minus strand); the first of 3 consecutive C bases (chr2:178,604,260-178,604,262); deleting any one gives the same sequence. VCF-style (leftmost placement, unchanged base first): chr2-178604259-GC-G. GRCh37 (hg19) VCF-style: chr2-179468986-GC-G.
Other names: c.49504del, p.Ala16502fs (NM_001256850.1); c.27232del, p.Ala9078fs (NM_003319.4); c.46723del, p.Ala15575fs (NM_133378.4); c.27607del, p.Ala9203fs (NM_133432.3); c.27808del, p.Ala9270fs (NM_133437.4); c.27232delG (NM_003319.4); short protein forms A15575fs, A16502fs, A18143fs, A9203fs, A9270fs, A9078fs.
Identifiers: ClinVar variation 1795210 (VCV001795210.6), dbSNP rs2470124525, ClinGen allele CA2580064906.